The following is an entry in ClinVar:

NM_006904.7(PRKDC):c.5909A>C (p.Lys1970Thr)

Gene: PRKDC (protein kinase, DNA-activated, catalytic subunit; minus strand). Cytogenetic location: 8q11.21.
Variant type: single nucleotide variant.
Coding change: c.5909A>C on transcript NM_006904.7 (MANE Select); coding-DNA position 5909, A replaced by C.
Protein change: p.Lys1970Thr; replaces lysine 1970 with threonine.
Molecular consequence: missense variant.
Genome position (GRCh38, 1-based): chr8:47,862,383, T>G on the plus strand (A>C on the coding strand, the complement: PRKDC is on the minus strand). VCF-style: chr8-47862383-T-G. GRCh37 (hg19) VCF-style: chr8-48774944-T-G.
Other names: c.5909A>C, p.Lys1970Thr (NM_001081640.2); short protein forms K1970T.
Identifiers: ClinVar variation 2626353 (VCV002626353.2), dbSNP rs2551870667, ClinGen allele CA371162140.

ClinVar aggregate classification (germline): Uncertain significance (1 of 4 stars; one submission).

Submission:

Ambry Genetics
Classification: Uncertain significance. Last evaluated: 2023-08-07. Review status: criteria provided, single submitter. Criteria: Ambry Variant Classification Scheme 2023. Collection method: clinical testing. Allele origin: germline.
Comment: The p.K1970T variant (also known as c.5909A>C), located in coding exon 43 of the PRKDC gene, results from an A to C substitution at nucleotide position 5909. The lysine at codon 1970 is replaced by threonine, an amino acid with similar properties. This amino acid position is conserved. In addition, this alteration is predicted to be tolerated by in silico analysis. Since supporting evidence is limited at this time, the clinical significance of this alteration remains unclear.